The following is an entry in ClinVar:

ClinVar aggregate classification (germline): Uncertain significance (0 of 4 stars; one submission).

Conditions:
FOXP1-related disorder. Also called: FOXP1-related condition.

Submission:

PreventionGenetics, part of Exact Sciences
Classification: Uncertain significance for FOXP1-related condition. Last evaluated: 2024-03-28. Review status: no assertion criteria provided. Collection method: clinical testing. Allele origin: germline.
Comment: The FOXP1 c.766A>G variant is predicted to result in the amino acid substitution p.Thr256Ala. To our knowledge, this variant has not been reported in the literature or in a large population database, indicating this variant is rare. At this time, the clinical significance of this variant is uncertain due to the absence of conclusive functional and genetic evidence.

NM_001349338.3(FOXP1):c.766A>G (p.Thr256Ala)

Gene: FOXP1 (forkhead box P1; minus strand). Cytogenetic location: 3p13.
Variant type: single nucleotide variant.
Coding change: c.766A>G on transcript NM_001349338.3 (MANE Select); coding-DNA position 766, A replaced by G.
Protein change: p.Thr256Ala; replaces threonine 256 with alanine.
Molecular consequence: missense variant. On other transcripts: non-coding transcript variant (2).
Genome position (GRCh38, 1-based): chr3:71,041,431, T>C on the plus strand (A>G on the coding strand, the complement: FOXP1 is on the minus strand). VCF-style: chr3-71041431-T-C. GRCh37 (hg19) VCF-style: chr3-71090582-T-C.
Other names: c.766A>G, p.Thr256Ala (NM_001244808.3, NM_001244810.2, NM_001244814.3 and 3 more transcripts); c.538A>G, p.Thr180Ala (NM_001244812.3); c.466A>G, p.Thr156Ala (NM_001244813.3, NM_001244815.2, NM_001349342.3 and 1 more transcripts); c.463A>G, p.Thr155Ala (NM_001349337.2, NM_001349343.3, NM_001349344.3); c.763A>G, p.Thr255Ala (NM_001349341.3); short protein forms T155A, T156A, T180A, T255A, T256A.
Identifiers: ClinVar variation 3348433 (VCV003348433.1).
Genomic context (GRCh38, chr3:71,041,431, plus strand): 5'-AGGCATGTGGGTTCATTATTAAGGAGGTCTTGGAAGGTGCAGAGGAGGAGACACATGTCG[T>C]GGTCAGATCCAAACTGCTGTGATTGTTGCCTGTGGTTTCTTCTGCAGTATGAGCACTTGT-3'
Protein context (NP_001336267.1, residues 246-266): GNNHSSLDLT[Thr256Ala]TCVSSSAPSK